The following is an entry in ClinVar:

NM_152564.5(VPS13B):c.10200G>A (p.Pro3400=)

Gene: VPS13B (vacuolar protein sorting 13 homolog B; plus strand). Cytogenetic location: 8q22.2.
Variant type: single nucleotide variant.
Coding change: c.10200G>A on transcript NM_152564.5 (MANE Select); coding-DNA position 10200, G replaced by A.
Protein change: p.Pro3400=; no amino-acid change (proline 3400 retained).
Molecular consequence: synonymous variant.
Genome position (GRCh38, 1-based): chr8:99,853,589, G>A. VCF-style: chr8-99853589-G-A. GRCh37 (hg19) VCF-style: chr8-100865817-G-A.
Other names: c.10200G>A (NM_152564.4); c.10275G>A, p.Pro3425= (NM_017890.5).
Identifiers: ClinVar variation 1438332 (VCV001438332.13), dbSNP rs151315104, ClinGen allele CA4824909.

ClinVar aggregate classification (germline): Likely benign. Review status: criteria provided, multiple submitters, no conflicts (2 of 4 stars). 4 submissions from 4 submitters: Likely benign (3). 1 of the submissions does not count toward it. Last evaluated 2026-01-11.

Conditions:
VPS13B-related disorder. Also called: VPS13B-related condition.
Cohen syndrome (COH1). Also called: Cutis verticis gyrata, retinitis pigmentosa, and sensorineural deafness; PEPPER SYNDROME. Identifiers: Orphanet 193, MedGen C0265223, MONDO:0008999, OMIM 216550.
Inborn genetic diseases. Identifiers: MedGen C0950123, MeSH D030342.

Allele frequency attached by ClinVar (database versions not stated): ExAC 0.00002; gnomAD 0.00003 and 0.00004; gnomAD exomes 0.00004; TOPMed 0.00005; ESP Exome Variant Server 0.00008.
gnomAD v4.1: 45 of 1,614,006 alleles (0.0028%); highest among the groups gnomAD compares: Middle Eastern, 0.016%; no homozygotes.

Submissions (4):

Labcorp Genetics (formerly Invitae), Labcorp
Classification: Likely benign for Cohen syndrome. Last evaluated: 2026-01-11. Review status: criteria provided, single submitter. Criteria: Invitae Variant Classification Sherloc (09022015). Collection method: clinical testing. Allele origin: germline.

Blueprint Genetics
Classification: Likely benign. Last evaluated: 2024-08-16. Review status: criteria provided, single submitter. Criteria: ACMG Guidelines, 2015. Collection method: clinical testing. Allele origin: germline.

Ambry Genetics
Classification: Likely benign for Inborn genetic diseases. Last evaluated: 2018-06-20. Review status: criteria provided, single submitter. Criteria: Ambry Variant Classification Scheme 2023. Collection method: clinical testing. Allele origin: germline.

PreventionGenetics, part of Exact Sciences
Classification: Likely benign for VPS13B-related condition. Last evaluated: 2024-02-02. Review status: no assertion criteria provided. Collection method: clinical testing. Allele origin: germline. Not counted in ClinVar's aggregate classification.
Comment: This variant is classified as likely benign based on ACMG/AMP sequence variant interpretation guidelines (Richards et al. 2015 PMID: 25741868, with internal and published modifications).